The following is an entry in ClinVar:

ClinVar aggregate classification (germline): Uncertain significance (1 of 4 stars; one submission).

Allele frequency attached by ClinVar (database versions not stated): TOPMed below 0.00001; ExAC 0.00002.
gnomAD v4.1: 9 of 1,613,846 alleles (0.00056%); highest among the groups gnomAD compares: South Asian, 0.0066%; no homozygotes.

Submission:

Labcorp Genetics (formerly Invitae), Labcorp
Classification: Uncertain significance. Last evaluated: 2021-11-30. Review status: criteria provided, single submitter. Criteria: Invitae Variant Classification Sherloc (09022015). Collection method: clinical testing. Allele origin: germline.
Comment: This sequence change replaces histidine, which is basic and polar, with arginine, which is basic and polar, at codon 762 of the KIAA1549 protein (p.His762Arg). This variant is present in population databases (rs759821454, gnomAD 0.007%). This variant has not been reported in the literature in individuals affected with KIAA1549-related conditions. Algorithms developed to predict the effect of missense changes on protein structure and function output the following: SIFT: "Tolerated"; PolyPhen-2: "Benign"; Align-GVGD: "Class C0". The arginine amino acid residue is found in multiple mammalian species, which suggests that this missense change does not adversely affect protein function. In summary, the available evidence is currently insufficient to determine the role of this variant in disease. Therefore, it has been classified as a Variant of Uncertain Significance.

NM_001164665.2(KIAA1549):c.2285A>G (p.His762Arg)

Gene: KIAA1549 (KIAA1549; minus strand). Cytogenetic location: 7q34.
Variant type: single nucleotide variant.
Coding change: c.2285A>G on transcript NM_001164665.2 (MANE Select); coding-DNA position 2285, A replaced by G.
Protein change: p.His762Arg; replaces histidine 762 with arginine.
Molecular consequence: missense variant.
Genome position (GRCh38, 1-based): chr7:138,917,341, T>C on the plus strand (A>G on the coding strand, the complement: KIAA1549 is on the minus strand). VCF-style: chr7-138917341-T-C. GRCh37 (hg19) VCF-style: chr7-138602087-T-C.
Other names: c.2285A>G, p.His762Arg (NM_020910.3); short protein forms H762R.
Identifiers: ClinVar variation 2019408 (VCV002019408.4), dbSNP rs759821454, ClinGen allele CA4506540.